The following is an entry in ClinVar:

ClinVar aggregate classification (germline): Uncertain significance. Review status: criteria provided, single submitter (1 of 4 stars). 2 submissions from 2 submitters: Uncertain significance (1). 1 of the submissions does not count toward it. Last evaluated 2021-08-23.

Conditions:
Insulin resistance. Identifiers: MedGen C0021655, HP:0000855.

Submissions (2):

Labcorp Genetics (formerly Invitae), Labcorp
Classification: Uncertain significance. Last evaluated: 2021-08-23. Review status: criteria provided, single submitter. Criteria: Invitae Variant Classification Sherloc (09022015). Collection method: clinical testing. Allele origin: germline.
Comment: In summary, the available evidence is currently insufficient to determine the role of this variant in disease. Therefore, it has been classified as a Variant of Uncertain Significance. Experimental studies have shown that this missense change affects INSR function (PMID: 1314826, 1890161). Algorithms developed to predict the effect of missense changes on protein structure and function are either unavailable or do not agree on the potential impact of this missense change (SIFT: "Not Available"; PolyPhen-2: "Probably Damaging"; Align-GVGD: "Not Available"). ClinVar contains an entry for this variant (Variation ID: 14709). This variant is also known as p.Met1153Ile. This missense change has been observed in individual(s) with INSR-related conditions (PMID: 1890161). This variant is not present in population databases (ExAC no frequency). This sequence change replaces methionine with isoleucine at codon 1180 of the INSR protein (p.Met1180Ile). The methionine residue is highly conserved and there is a small physicochemical difference between methionine and isoleucine.

OMIM
Classification: Pathogenic for INSULIN RESISTANCE. Last evaluated: 1994-06-07. Review status: no assertion criteria provided. Collection method: literature only. Allele origin: germline. Not counted in ClinVar's aggregate classification.

Literature cited by the submitters: PubMed 1314826 (cited by Labcorp Genetics (formerly Invitae), Labcorp and OMIM); PubMed 1890161 (cited by Labcorp Genetics (formerly Invitae), Labcorp and OMIM); PubMed 27896077 (cited by OMIM); PubMed 8202531 (cited by OMIM).

NM_000208.4(INSR):c.3540G>A (p.Met1180Ile)

Gene: INSR (insulin receptor; minus strand). Cytogenetic location: 19p13.2.
Variant type: single nucleotide variant.
Coding change: c.3540G>A on transcript NM_000208.4 (MANE Select); coding-DNA position 3540, G replaced by A.
Protein change: p.Met1180Ile; replaces methionine 1180 with isoleucine.
Molecular consequence: missense variant.
Genome position (GRCh38, 1-based): chr19:7,120,739, C>T on the plus strand (G>A on the coding strand, the complement: INSR is on the minus strand). VCF-style: chr19-7120739-C-T. GRCh37 (hg19) VCF-style: chr19-7120750-C-T.
Other names: c.3504G>A, p.Met1168Ile (NM_001079817.3); short protein forms M1168I, M1180I.
Identifiers: ClinVar variation 14709 (VCV000014709.6), dbSNP rs121913157, ClinGen allele CA124266.